The following is an entry in ClinVar:

NM_000814.6(GABRB3):c.416G>T (p.Arg139Leu)

Gene: GABRB3 (gamma-aminobutyric acid type A receptor subunit beta3; minus strand). Cytogenetic location: 15q12.
Variant type: single nucleotide variant.
Coding change: c.416G>T on transcript NM_000814.6 (MANE Select); coding-DNA position 416, G replaced by T.
Protein change: p.Arg139Leu; replaces arginine 139 with leucine.
Molecular consequence: missense variant. On other transcripts: non-coding transcript variant (1).
Genome position (GRCh38, 1-based): chr15:26,621,359, C>A on the plus strand (G>T on the coding strand, the complement: GABRB3 is on the minus strand). VCF-style: chr15-26621359-C-A. GRCh37 (hg19) VCF-style: chr15-26866506-C-A.
Other names: c.161G>T, p.Arg54Leu (NM_001278631.2, NM_001191320.2); c.416G>T, p.Arg139Leu (NM_021912.5); c.203G>T, p.Arg68Leu (NM_001191321.3); short protein forms R139L, R68L, R54L.
Identifiers: ClinVar variation 2953178 (VCV002953178.3), dbSNP rs1197311612, ClinGen allele CA391460719.

ClinVar aggregate classification (germline): Uncertain significance (1 of 4 stars; one submission).

Conditions:
Epilepsy, childhood absence, susceptibility to, 1. Also called: Epilepsy, childhood absence 1. Identifiers: Orphanet 64280, MedGen C1838604, MONDO:0020759, OMIM 600131.
Epilepsy, childhood absence, susceptibility to, 5. Identifiers: Orphanet 64280, MedGen C2677087, MONDO:0012843, OMIM 612269.

Submission:

Labcorp Genetics (formerly Invitae), Labcorp
Classification: Uncertain significance for Epilepsy, childhood absence, susceptibility to, 5; Epilepsy, childhood absence, susceptibility to, 1. Last evaluated: 2023-10-22. Review status: criteria provided, single submitter. Criteria: Invitae Variant Classification Sherloc (09022015). Collection method: clinical testing. Allele origin: germline.
Comment: This sequence change replaces arginine, which is basic and polar, with leucine, which is neutral and non-polar, at codon 139 of the GABRB3 protein (p.Arg139Leu). This variant is not present in population databases (gnomAD no frequency). This variant has not been reported in the literature in individuals affected with GABRB3-related conditions. Advanced modeling of protein sequence and biophysical properties (such as structural, functional, and spatial information, amino acid conservation, physicochemical variation, residue mobility, and thermodynamic stability) performed at Invitae indicates that this missense variant is expected to disrupt GABRB3 protein function. In summary, the available evidence is currently insufficient to determine the role of this variant in disease. Therefore, it has been classified as a Variant of Uncertain Significance.